The following is an entry in ClinVar:

ClinVar aggregate classification (germline): Uncertain significance. Review status: criteria provided, multiple submitters, no conflicts (2 of 4 stars). 2 submissions from 2 submitters: Uncertain significance (2). Last evaluated 2023-11-22.

Conditions:
Inborn genetic diseases. Identifiers: MedGen C0950123, MeSH D030342.
Ichthyosis linearis circumflexa. Identifiers: MedGen C0265962, MONDO:0043106, HP:0025810.

Allele frequency attached by ClinVar (database versions not stated): gnomAD 0.00001; ExAC 0.00002; gnomAD exomes 0.00002 and 0.00003; TOPMed 0.00003.
gnomAD v4.1: 46 of 1,613,988 alleles (0.0029%); highest among the groups gnomAD compares: Non-Finnish European, 0.0038%; no homozygotes.

Submissions (2):

Ambry Genetics
Classification: Uncertain significance for Inborn genetic diseases. Last evaluated: 2023-11-22. Review status: criteria provided, single submitter. Criteria: Ambry Variant Classification Scheme 2023. Collection method: clinical testing. Allele origin: germline.

Labcorp Genetics (formerly Invitae), Labcorp
Classification: Uncertain significance for Ichthyosis linearis circumflexa. Last evaluated: 2022-08-05. Review status: criteria provided, single submitter. Criteria: Invitae Variant Classification Sherloc (09022015). Collection method: clinical testing. Allele origin: germline.
Comment: In summary, the available evidence is currently insufficient to determine the role of this variant in disease. Therefore, it has been classified as a Variant of Uncertain Significance. Algorithms developed to predict the effect of missense changes on protein structure and function output the following: SIFT: "Tolerated"; PolyPhen-2: "Benign"; Align-GVGD: "Class C0". The lysine amino acid residue is found in multiple mammalian species, which suggests that this missense change does not adversely affect protein function. ClinVar contains an entry for this variant (Variation ID: 1465813). This variant has not been reported in the literature in individuals affected with SPINK5-related conditions. This variant is present in population databases (rs773035431, gnomAD 0.004%). This sequence change replaces glutamic acid, which is acidic and polar, with lysine, which is basic and polar, at codon 712 of the SPINK5 protein (p.Glu712Lys).

NM_006846.4(SPINK5):c.2134G>A (p.Glu712Lys)

Gene: SPINK5 (serine peptidase inhibitor Kazal type 5; plus strand). Cytogenetic location: 5q32.
Variant type: single nucleotide variant.
Coding change: c.2134G>A on transcript NM_006846.4 (MANE Select); coding-DNA position 2134, G replaced by A.
Protein change: p.Glu712Lys; replaces glutamic acid 712 with lysine.
Molecular consequence: missense variant.
Genome position (GRCh38, 1-based): chr5:148,118,458, G>A. VCF-style: chr5-148118458-G-A. GRCh37 (hg19) VCF-style: chr5-147498021-G-A.
Other names: c.2134G>A, p.Glu712Lys (NM_001127698.2, NM_001127699.2); c.2134G>A (NM_006846.3); short protein forms E712K.
Identifiers: ClinVar variation 1465813 (VCV001465813.7), dbSNP rs773035431, ClinGen allele CA3495878.